The following is an entry in ClinVar:

ClinVar aggregate classification (germline): Likely pathogenic (1 of 4 stars; one submission).

Conditions:
Hirschsprung disease, susceptibility to, 1 (HSCR1). Also called: RET-Related Hirschsprung Disease. Identifiers: Orphanet 388, MedGen C3888239, MONDO:0007723, OMIM 142623.

Submission:

MVZ Medizinische Genetik Mainz
Classification: Likely pathogenic for Hirschsprung disease, susceptibility to, 1. Last evaluated: 2023-09-15. Review status: criteria provided, single submitter. Criteria: UK Practice Guidelines For Variant Classification V4 01 2020. Collection method: clinical testing. Allele origin: germline. Inheritance: Autosomal dominant inheritance. Observed: 1 variant allele.
Comment: ACMG Criteria: PP3_STR,PM2_SUP,PP4

NM_020975.6(RET):c.2888T>C (p.Leu963Pro)

Gene: RET (ret proto-oncogene; plus strand). Cytogenetic location: 10q11.21.
Variant type: single nucleotide variant.
Coding change: c.2888T>C on transcript NM_020975.6 (MANE Select); coding-DNA position 2888, T replaced by C.
Protein change: p.Leu963Pro; replaces leucine 963 with proline.
Molecular consequence: missense variant.
Genome position (GRCh38, 1-based): chr10:43,123,757, T>C. VCF-style: chr10-43123757-T-C. GRCh37 (hg19) VCF-style: chr10-43619205-T-C.
Other names: c.2888T>C, p.Leu963Pro (NM_020629.2, NM_020630.7, NM_000323.2 and 4 more transcripts); c.2162T>C, p.Leu721Pro (NM_001406778.1, NM_001406775.1, NM_001406776.1 and 1 more transcripts); c.1991T>C, p.Leu664Pro (NM_001406779.1, NM_001406780.1, NM_001406781.1 and 1 more transcripts); c.1862T>C, p.Leu621Pro (NM_001406783.1, NM_001406786.1); c.1898T>C, p.Leu633Pro (NM_001406784.1); c.1871T>C, p.Leu624Pro (NM_001406785.1); c.1856T>C, p.Leu619Pro (NM_001406787.1); c.1703T>C, p.Leu568Pro (NM_001406788.1, NM_001406789.1, NM_001406790.1); and 10 more; short protein forms L480P, L528P, L568P, L619P, L621P, L624P, L633P, L664P.
Identifiers: ClinVar variation 3236357 (VCV003236357.1), dbSNP rs2538616392, ClinGen allele CA376557893.